The following is an entry in ClinVar:

NM_199334.5(THRA):c.1166A>G (p.Lys389Arg)

Gene: THRA (thyroid hormone receptor alpha; plus strand). Cytogenetic location: 17q21.1.
Variant type: single nucleotide variant.
Coding change: c.1166A>G on transcript NM_199334.5 (MANE Select); coding-DNA position 1166, A replaced by G.
Protein change: p.Lys389Arg; replaces lysine 389 with arginine.
Molecular consequence: missense variant. On other transcripts: intron variant (3).
Genome position (GRCh38, 1-based): chr17:40,089,389, A>G. VCF-style: chr17-40089389-A-G. GRCh37 (hg19) VCF-style: chr17-38245642-A-G.
Other names: c.1110+56A>G (NM_001190919.2, NM_003250.6, NM_001190918.2); short protein forms K389R.
Identifiers: ClinVar variation 2501885 (VCV002501885.1), dbSNP rs2544246780, ClinGen allele CA399278497.
Genomic context (GRCh38, chr17:40,089,389, plus strand): 5'-TGAAGGTGACTGACCTCCGCATGATCGGGGCCTGCCACGCCAGCCGCTTCCTCCACATGA[A>G]AGTCGAGTGCCCCACCGAACTCTTCCCCCCACTCTTCCTCGAGGTCTTTGAGGATCAGGA-3'
Protein context (NP_955366.1, residues 379-399): ACHASRFLHM[Lys389Arg]VECPTELFPP

ClinVar aggregate classification (germline): Uncertain significance (1 of 4 stars; one submission).

Submission:

GeneDx
Classification: Uncertain significance. Last evaluated: 2022-11-15. Review status: criteria provided, single submitter. Criteria: GeneDx Variant Classification Process June 2021. Collection method: clinical testing. Allele origin: germline. Affected: yes.
Comment: Not observed at significant frequency in large population cohorts (gnomAD); In silico analysis supports that this missense variant does not alter protein structure/function; Has not been previously published as pathogenic or benign to our knowledge